The following is an entry in ClinVar:

NM_002693.3(POLG):c.343C>A (p.Gln115Lys)

Genes: POLG (DNA polymerase gamma, catalytic subunit; minus strand), POLGARF (POLG alternative reading frame; minus strand). Cytogenetic location: 15q26.1.
Variant type: single nucleotide variant.
Coding change: c.343C>A on transcript NM_002693.3 (MANE Select); coding-DNA position 343, C replaced by A.
Protein change: p.Gln115Lys; replaces glutamine 115 with lysine.
Molecular consequence: missense variant.
Genome position (GRCh38, 1-based): chr15:89,333,412, G>T on the plus strand (C>A on the coding strand, the complement: POLG is on the minus strand). VCF-style: chr15-89333412-G-T. GRCh37 (hg19) VCF-style: chr15-89876643-G-T.
Other names: c.398C>A, p.Ala133Glu (NM_001430120.1); c.343C>A, p.Gln115Lys (NM_001126131.2); short protein forms A133E, Q115K.
Identifiers: ClinVar variation 4695133 (VCV004695133.1).

ClinVar aggregate classification (germline): Uncertain significance (1 of 4 stars; one submission).

Conditions:
Progressive sclerosing poliodystrophy (MTDPS4A). Also called: Mitochondrial DNA depletion syndrome 4A (Alpers type); ALPERS PROGRESSIVE INFANTILE POLIODYSTROPHY; NEURONAL DEGENERATION OF CHILDHOOD WITH LIVER DISEASE, PROGRESSIVE; Alpers Syndrome; ALPERS DIFFUSE DEGENERATION OF CEREBRAL GRAY MATTER WITH HEPATIC CIRRHOSIS; Alpers-Huttenlocher Syndrome. Identifiers: Orphanet 726, MedGen C0205710, MONDO:0008758, OMIM 203700.

gnomAD v4.1: 5 of 1,605,144 alleles (0.00031%); highest among the groups gnomAD compares: African/African-American, 0.0013%; no homozygotes.

Submission:

Labcorp Genetics (formerly Invitae), Labcorp
Classification: Uncertain significance for Progressive sclerosing poliodystrophy. Last evaluated: 2025-03-30. Review status: criteria provided, single submitter. Criteria: Invitae Variant Classification Sherloc (09022015). Collection method: clinical testing. Allele origin: germline.
Comment: This sequence change replaces glutamine, which is neutral and polar, with lysine, which is basic and polar, at codon 115 of the POLG protein (p.Gln115Lys). The frequency data for this variant in the population databases is considered unreliable, as metrics indicate poor data quality at this position in the gnomAD database. This variant has not been reported in the literature in individuals affected with POLG-related conditions. Invitae Evidence Modeling of protein sequence and biophysical properties (such as structural, functional, and spatial information, amino acid conservation, physicochemical variation, residue mobility, and thermodynamic stability) indicates that this missense variant is not expected to disrupt POLG protein function with a negative predictive value of 95%. In summary, the available evidence is currently insufficient to determine the role of this variant in disease. Therefore, it has been classified as a Variant of Uncertain Significance.